The following is an entry in ClinVar:

NM_001042492.3(NF1):c.6233T>C (p.Ile2078Thr)

Gene: NF1 (neurofibromin 1; plus strand). Cytogenetic location: 17q11.2.
Variant type: single nucleotide variant.
Coding change: c.6233T>C on transcript NM_001042492.3 (MANE Select); coding-DNA position 6233, T replaced by C.
Protein change: p.Ile2078Thr; replaces isoleucine 2078 with threonine.
Molecular consequence: missense variant.
Genome position (GRCh38, 1-based): chr17:31,336,720, T>C. VCF-style: chr17-31336720-T-C. GRCh37 (hg19) VCF-style: chr17-29663738-T-C.
Other names: c.6170T>C, p.Ile2057Thr (NM_000267.4); short protein forms I2057T, I2078T.
Identifiers: ClinVar variation 4278881 (VCV004278881.1).
Genomic context (GRCh38, chr17:31,336,720, plus strand): 5'-TTGACAAGACATGCTTATCTCCAACTCCTACTTTAGAACAACATCTTATGTGGGATGATA[T>C]TGCTATTTTAGCACGCTACATGCTGATGCTGTCCTTCAACAATTCCCTTGATGTGGCAGC-3'
Protein context (NP_001035957.1, residues 2068-2088): TLEQHLMWDD[Ile2078Thr]AILARYMLML

ClinVar aggregate classification (germline): Uncertain significance (1 of 4 stars; one submission).

Submission:

GeneDx
Classification: Uncertain significance. Last evaluated: 2025-04-03. Review status: criteria provided, single submitter. Criteria: GeneDx Variant Classification Process June 2021. Collection method: clinical testing. Allele origin: germline. Affected: yes.
Comment: Not observed at significant frequency in large population cohorts (gnomAD); In silico analysis supports that this missense variant has a deleterious effect on protein structure/function; Has not been previously published as pathogenic or benign to our knowledge